The following is an entry in ClinVar:

NM_000883.4(IMPDH1):c.1711G>A (p.Gly571Arg)

Gene: IMPDH1 (inosine monophosphate dehydrogenase 1; minus strand). Cytogenetic location: 7q32.1.
Variant type: single nucleotide variant.
Coding change: c.1711G>A on transcript NM_000883.4 (MANE Select); coding-DNA position 1711, G replaced by A.
Protein change: p.Gly571Arg; replaces glycine 571 with arginine.
Molecular consequence: missense variant.
Genome position (GRCh38, 1-based): chr7:128,394,345, C>T on the plus strand (G>A on the coding strand, the complement: IMPDH1 is on the minus strand). VCF-style: chr7-128394345-C-T. GRCh37 (hg19) VCF-style: chr7-128034399-C-T.
Other names: c.1681G>A, p.Gly561Arg (NM_001102605.2); c.1456G>A, p.Gly486Arg (NM_001142573.2); c.1441G>A, p.Gly481Arg (NM_001142574.2); c.1381G>A, p.Gly461Arg (NM_001142575.2); c.1612G>A, p.Gly538Arg (NM_001142576.2); c.1504G>A, p.Gly502Arg (NM_001304521.2); c.1603G>A, p.Gly535Arg (NM_183243.3); short protein forms G535R, G538R, G561R, G481R, G502R, G461R, G486R, G571R.
Identifiers: ClinVar variation 2108330 (VCV002108330.4), dbSNP rs2535724488, ClinGen allele CA369161785.

ClinVar aggregate classification (germline): Uncertain significance (1 of 4 stars; one submission).

Submission:

Labcorp Genetics (formerly Invitae), Labcorp
Classification: Uncertain significance. Last evaluated: 2022-03-10. Review status: criteria provided, single submitter. Criteria: Invitae Variant Classification Sherloc (09022015). Collection method: clinical testing. Allele origin: germline.
Comment: This variant has not been reported in the literature in individuals affected with IMPDH1-related conditions. This sequence change replaces glycine, which is neutral and non-polar, with arginine, which is basic and polar, at codon 571 of the IMPDH1 protein (p.Gly571Arg). This variant is not present in population databases (gnomAD no frequency). Algorithms developed to predict the effect of missense changes on protein structure and function are either unavailable or do not agree on the potential impact of this missense change (SIFT: "Deleterious"; PolyPhen-2: "Probably Damaging"; Align-GVGD: "Class C15"). In summary, the available evidence is currently insufficient to determine the role of this variant in disease. Therefore, it has been classified as a Variant of Uncertain Significance.